The following is an entry in ClinVar:

ClinVar aggregate classification (germline): Likely pathogenic. Review status: criteria provided, multiple submitters, no conflicts (2 of 4 stars). 6 submissions from 6 submitters: Likely pathogenic (3). 3 of the submissions do not count toward it. Last evaluated 2026-08-17.

Conditions:
Hypertrophic cardiomyopathy 11. Also called: ACTC1-Related Familial Hypertrophic Cardiomyopathy. Identifiers: MedGen C2677506, MONDO:0012799, OMIM 612098.
Atrial septal defect 5 (ASD5). Identifiers: Orphanet 1478, MedGen C2748552, MONDO:0013011, OMIM 612794.
Dilated cardiomyopathy 1R (CMD1R). Identifiers: Orphanet 154, Orphanet 54260, MedGen C3150681, MONDO:0013261, OMIM 613424.
Cardiovascular phenotype. Identifiers: MedGen CN230736.

Submissions (6):

GeneDx
Classification: Likely pathogenic. Last evaluated: 2026-08-17. Review status: criteria provided, single submitter. Criteria: GeneDx Variant Classification Process June 2021. Collection method: clinical testing. Allele origin: germline.
Comment: Not observed at significant frequency in large population cohorts (gnomAD); In silico analysis supports that this missense variant has a deleterious effect on protein structure/function; This variant is associated with the following publications: (PMID: 36158814, 22464770)

Ambry Genetics
Classification: Likely pathogenic for Cardiovascular phenotype. Last evaluated: 2025-08-28. Review status: criteria provided, single submitter. Criteria: Ambry Variant Classification Scheme 2023. Collection method: clinical testing. Allele origin: germline.
Comment: The p.T128I variant (also known as c.383C>T), located in coding exon 2 of the ACTC1 gene, results from a C to T substitution at nucleotide position 383. The threonine at codon 128 is replaced by isoleucine, an amino acid with similar properties. This variant was identified in one or more individuals with features consistent with ACTC1-related cardiomyopathy and segregated with disease in at least one family (Lakdawala NK et al. J Card Fail, 2012 Apr;18:296-303; Ambry internal data). This variant is considered to be rare based on population cohorts in the Genome Aggregation Database (gnomAD). This amino acid position is highly conserved in available vertebrate species. In addition, this alteration is predicted to be deleterious by in silico analysis. Based on the majority of available evidence to date, this variant is likely to be pathogenic.

Labcorp Genetics (formerly Invitae), Labcorp
Classification: Likely pathogenic for Dilated cardiomyopathy 1R; Hypertrophic cardiomyopathy 11; Atrial septal defect 5. Last evaluated: 2024-05-20. Review status: criteria provided, single submitter. Criteria: Invitae Variant Classification Sherloc (09022015). Collection method: clinical testing. Allele origin: germline.
Comment: This sequence change replaces threonine, which is neutral and polar, with isoleucine, which is neutral and non-polar, at codon 128 of the ACTC1 protein (p.Thr128Ile). This variant is not present in population databases (gnomAD no frequency). This missense change has been observed in individuals with dilated cardiomyopathy (PMID: 22464770; Invitae). It has also been observed to segregate with disease in related individuals. ClinVar contains an entry for this variant (Variation ID: 177748). Advanced modeling of protein sequence and biophysical properties (such as structural, functional, and spatial information, amino acid conservation, physicochemical variation, residue mobility, and thermodynamic stability) performed at Invitae indicates that this missense variant is not expected to disrupt ACTC1 protein function with a negative predictive value of 80%. In summary, the currently available evidence indicates that the variant is pathogenic, but additional data are needed to prove that conclusively. Therefore, this variant has been classified as Likely Pathogenic.

Laboratory for Molecular Medicine, Mass General Brigham Personalized Medicine
Classification: Uncertain significance. Last evaluated: 2013-01-23. Review status: no assertion criteria provided. Collection method: clinical testing. Allele origin: germline. Observed: 4 variant alleles. Not counted in ClinVar's aggregate classification.
Comment: proposed classification - variant undergoing re-assessment, contact laboratory

Clinical Genetics DNA and cytogenetics Diagnostics Lab, Erasmus MC, Erasmus Medical Center
Classification: Pathogenic. Review status: no assertion criteria provided. Collection method: clinical testing. Allele origin: germline. Affected: yes. Study: VKGL Data-share Consensus. Not counted in ClinVar's aggregate classification.

Joint Genome Diagnostic Labs from Nijmegen and Maastricht, Radboudumc and MUMC+
Classification: Likely pathogenic. Review status: no assertion criteria provided. Collection method: clinical testing. Allele origin: germline. Affected: yes. Study: VKGL Data-share Consensus. Not counted in ClinVar's aggregate classification.

Literature cited by the submitters: PubMed 22464770 (cited by Ambry Genetics and Labcorp Genetics (formerly Invitae), Labcorp).

NM_005159.5(ACTC1):c.383C>T (p.Thr128Ile)

Genes: ACTC1 (actin alpha cardiac muscle 1; minus strand), GJD2-DT (GJD2 divergent transcript; plus strand). Cytogenetic location: 15q14.
Variant type: single nucleotide variant.
Coding change: c.383C>T on transcript NM_005159.5 (MANE Select); coding-DNA position 383, C replaced by T.
Protein change: p.Thr128Ile; replaces threonine 128 with isoleucine.
Molecular consequence: missense variant.
Genome position (GRCh38, 1-based): chr15:34,793,316, G>A on the plus strand (C>T on the coding strand, the complement: ACTC1 is on the minus strand). VCF-style: chr15-34793316-G-A. GRCh37 (hg19) VCF-style: chr15-35085517-G-A.
Other names: short protein forms T128I.
Identifiers: ClinVar variation 177748 (VCV000177748.17), dbSNP rs727504308, ClinGen allele CA019768.